The following is an entry in ClinVar:

ClinVar aggregate classification (germline): Uncertain significance (1 of 4 stars; one submission).

Conditions:
Inborn genetic diseases. Identifiers: MedGen C0950123, MeSH D030342.

Allele frequency attached by ClinVar (database versions not stated): TOPMed below 0.00001; gnomAD 0.00001.
gnomAD v4.1: 1 of 1,613,884 alleles (0.000062%); highest among the groups gnomAD compares: African/African-American, 0.0013%; no homozygotes.

Submission:

Ambry Genetics
Classification: Uncertain significance for Inborn genetic diseases. Last evaluated: 2021-06-23. Review status: criteria provided, single submitter. Criteria: Ambry Variant Classification Scheme 2023. Collection method: clinical testing. Allele origin: germline.
Comment: The p.V102A variant (also known as c.305T>C), located in coding exon 3 of the MDH2 gene, results from a T to C substitution at nucleotide position 305. The valine at codon 102 is replaced by alanine, an amino acid with similar properties. This amino acid position is conserved. In addition, the in silico prediction for this alteration is inconclusive. Since supporting evidence is limited at this time, the clinical significance of this alteration remains unclear.

NM_005918.4(MDH2):c.305T>C (p.Val102Ala)

Gene: MDH2 (malate dehydrogenase 2; plus strand). Cytogenetic location: 7q11.23.
Variant type: single nucleotide variant.
Coding change: c.305T>C on transcript NM_005918.4 (MANE Select); coding-DNA position 305, T replaced by C.
Protein change: p.Val102Ala; replaces valine 102 with alanine.
Molecular consequence: missense variant. On other transcripts: 5 prime UTR variant (1).
Genome position (GRCh38, 1-based): chr7:76,057,479, T>C. VCF-style: chr7-76057479-T-C. GRCh37 (hg19) VCF-style: chr7-75686797-T-C.
Other names: c.305T>C, p.Val102Ala (NM_001282403.2); c.-17T>C (NM_001282404.2); short protein forms V102A.
Identifiers: ClinVar variation 1799358 (VCV001799358.2), dbSNP rs1194543391, ClinGen allele CA367763649.
Genomic context (GRCh38, chr7:76,057,479, plus strand): 5'-GACCTGAACAGCTGCCTGACTGCCTGAAAGGTTGTGATGTGGTAGTTATTCCGGCTGGAG[T>C]CCCCAGAAAGCCAGGTTTGTGTTTGAAAGCCTTGTCTGGTACCTCCCCACGTGAAGATGT-3'
Protein context (NP_005909.2, residues 92-112): GCDVVVIPAG[Val102Ala]PRKPGMTRDD